The following is an entry in ClinVar:

ClinVar aggregate classification (germline): Uncertain significance. Review status: criteria provided, multiple submitters, no conflicts (2 of 4 stars). 2 submissions from 2 submitters: Uncertain significance (2). Last evaluated 2023-08-30.

Allele frequency attached by ClinVar (database versions not stated): gnomAD 0.00001; TOPMed 0.00001.

Submissions (2):

Labcorp Genetics (formerly Invitae), Labcorp
Classification: Uncertain significance. Last evaluated: 2023-08-30. Review status: criteria provided, single submitter. Criteria: Invitae Variant Classification Sherloc (09022015). Collection method: clinical testing. Allele origin: germline.
Comment: This variant disrupts the p.Ala244 amino acid residue in KCNK4. Other variant(s) that disrupt this residue have been determined to be pathogenic (PMID: 30290154). This suggests that this residue is clinically significant, and that variants that disrupt this residue are likely to be disease-causing. In summary, the available evidence is currently insufficient to determine the role of this variant in disease. Therefore, it has been classified as a Variant of Uncertain Significance. This variant is not present in population databases (gnomAD no frequency). This variant has not been reported in the literature in individuals affected with KCNK4-related conditions. ClinVar contains an entry for this variant (Variation ID: 1430620). An algorithm developed to predict the effect of missense changes on protein structure and function (PolyPhen-2) suggests that this variant is likely to be disruptive. This sequence change replaces alanine, which is neutral and non-polar, with threonine, which is neutral and polar, at codon 244 of the KCNK4 protein (p.Ala244Thr).

Ambry Genetics
Classification: Uncertain significance. Last evaluated: 2023-06-22. Review status: criteria provided, single submitter. Criteria: Ambry Variant Classification Scheme 2023. Collection method: clinical testing. Allele origin: germline.

Literature cited by the submitters: PubMed 30290154 (cited by Labcorp Genetics (formerly Invitae), Labcorp).

NM_033310.3(KCNK4):c.730G>A (p.Ala244Thr)

Genes: KCNK4 (potassium two pore domain channel subfamily K member 4; plus strand), KCNK4-CATSPERZ (KCNK4-CATSPERZ readthrough (NMD candidate); plus strand). Cytogenetic location: 11q13.1.
Variant type: single nucleotide variant.
Coding change: c.730G>A on transcript NM_033310.3 (MANE Select); coding-DNA position 730, G replaced by A.
Protein change: p.Ala244Thr; replaces alanine 244 with threonine.
Molecular consequence: missense variant. On other transcripts: non-coding transcript variant (3).
Genome position (GRCh38, 1-based): chr11:64,298,178, G>A. VCF-style: chr11-64298178-G-A. GRCh37 (hg19) VCF-style: chr11-64065650-G-A.
Other names: c.730G>A (NM_033310.2); c.730G>A, p.Ala244Thr (NM_001317090.2); short protein forms A244T.
Identifiers: ClinVar variation 1430620 (VCV001430620.8), dbSNP rs1189909394, ClinGen allele CA381066206.